The following is an entry in ClinVar:

ClinVar aggregate classification (germline): Uncertain significance. Review status: criteria provided, multiple submitters, no conflicts (2 of 4 stars). 3 submissions from 3 submitters: Uncertain significance (3). Last evaluated 2024-10-18.

Conditions:
Familial thoracic aortic aneurysm and aortic dissection (TAAD). Also called: Thoracic aortic aneurysms and dissections. Identifiers: Orphanet 91387, MedGen C4707243, MONDO:0019625.
Aortic aneurysm, familial thoracic 4 (AAT4). Also called: AORTIC ANEURYSM/AORTIC DISSECTION AND PATENT DUCTUS ARTERIOSUS. Identifiers: MedGen C1851504, MONDO:0007568, OMIM 132900.

Submissions (3):

Labcorp Genetics (formerly Invitae), Labcorp
Classification: Uncertain significance for Aortic aneurysm, familial thoracic 4. Last evaluated: 2024-10-18. Review status: criteria provided, single submitter. Criteria: Invitae Variant Classification Sherloc (09022015). Collection method: clinical testing. Allele origin: germline.
Comment: This sequence change replaces glutamine, which is neutral and polar, with histidine, which is basic and polar, at codon 1082 of the MYH11 protein (p.Gln1082His). This variant is not present in population databases (gnomAD no frequency). This variant has not been reported in the literature in individuals affected with MYH11-related conditions. Invitae Evidence Modeling of protein sequence and biophysical properties (such as structural, functional, and spatial information, amino acid conservation, physicochemical variation, residue mobility, and thermodynamic stability) indicates that this missense variant is not expected to disrupt MYH11 protein function with a negative predictive value of 95%. In summary, the available evidence is currently insufficient to determine the role of this variant in disease. Therefore, it has been classified as a Variant of Uncertain Significance.

All of Us Research Program, National Institutes of Health
Classification: Uncertain significance for Familial thoracic aortic aneurysm and aortic dissection. Last evaluated: 2023-10-02. Review status: criteria provided, single submitter. Criteria: ACMG Guidelines, 2015. Collection method: clinical testing. Allele origin: germline. Inheritance: Autosomal dominant inheritance. Observed: 1 variant allele, 1 heterozygote.
Comment: This missense variant replaces glutamine with histidine at codon 1082 of the MYH11 protein. Computational prediction is inconclusive regarding the impact of this variant on protein structure and function (internally defined REVEL score threshold 0.5 < inconclusive < 0.7, PMID: 27666373). To our knowledge, functional studies have not been reported for this variant. This variant has not been reported in individuals affected with MYH11-related disorders in the literature. This variant has not been identified in the general population by the Genome Aggregation Database (gnomAD). The available evidence is insufficient to determine the role of this variant in disease conclusively. Therefore, this variant is classified as a Variant of Uncertain Significance.

This study involves interpretation of variants in research participants for the purpose of population health screening. Participant phenotype was not available at the time of variant classification. Additional details can be found in publication PMID: 35346344, PMCID: PMC8962531

Color Diagnostics, LLC DBA Color Health
Classification: Uncertain significance for Familial thoracic aortic aneurysm and aortic dissection. Last evaluated: 2023-09-13. Review status: criteria provided, single submitter. Criteria: ACMG Guidelines, 2015. Collection method: clinical testing. Allele origin: germline.
Comment: This missense variant replaces glutamine with histidine at codon 1082 of the MYH11 protein. Computational prediction is inconclusive regarding the impact of this variant on protein structure and function. To our knowledge, functional studies have not been reported for this variant. This variant has not been reported in individuals affected with MYH11-related disorders in the literature. This variant has not been identified in the general population by the Genome Aggregation Database (gnomAD). The available evidence is insufficient to determine the role of this variant in disease conclusively. Therefore, this variant is classified as a Variant of Uncertain Significance.

NM_002474.3(MYH11):c.3225G>C (p.Gln1075His)

Gene: MYH11 (myosin heavy chain 11; minus strand). Cytogenetic location: 16p13.11.
Variant type: single nucleotide variant.
Coding change: c.3225G>C on transcript NM_002474.3 (MANE Select); coding-DNA position 3225, G replaced by C.
Protein change: p.Gln1075His; replaces glutamine 1075 with histidine.
Molecular consequence: missense variant.
Genome position (GRCh38, 1-based): chr16:15,737,517, C>G on the plus strand (G>C on the coding strand, the complement: MYH11 is on the minus strand). VCF-style: chr16-15737517-C-G. GRCh37 (hg19) VCF-style: chr16-15831374-C-G.
Other names: c.3246G>C, p.Gln1082His (NM_001040113.2, NM_001040114.2); c.3225G>C, p.Gln1075His (NM_022844.3); short protein forms Q1075H, Q1082H.
Identifiers: ClinVar variation 2968931 (VCV002968931.5), dbSNP rs2506185875, ClinGen allele CA394863006.
Genomic context (GRCh38, chr16:15,737,517, plus strand): 5'-GGCCGCCTGCAGCTCCTCCTCCTTCTTGGCCAGCTGCATCTTGAGCTCTGCGATCTGCGC[C>G]TGGAGGTCAGCGATCTGCTCGTGGAAGTCGCTGGCATCACCCTCCAGCTTCCGTTTCAGC-3'
Protein context (NP_002465.1, residues 1065-1085): SDFHEQIADL[Gln1075His]AQIAELKMQL